The following is an entry in ClinVar:

NM_001330311.2(DVL1):c.561G>C (p.Glu187Asp)

Gene: DVL1 (dishevelled segment polarity protein 1; minus strand). Cytogenetic location: 1p36.33.
Variant type: single nucleotide variant.
Coding change: c.561G>C on transcript NM_001330311.2 (MANE Select); coding-DNA position 561, G replaced by C.
Protein change: p.Glu187Asp; replaces glutamic acid 187 with aspartic acid.
Molecular consequence: missense variant.
Genome position (GRCh38, 1-based): chr1:1,341,711, C>G on the plus strand (G>C on the coding strand, the complement: DVL1 is on the minus strand). VCF-style: chr1-1341711-C-G. GRCh37 (hg19) VCF-style: chr1-1277091-C-G.
Other names: c.561G>C, p.Glu187Asp (NM_004421.3); c.561G>C (NM_004421.2); short protein forms E187D.
Identifiers: ClinVar variation 1360266 (VCV001360266.11), dbSNP rs199864327, ClinGen allele CA520620.
Genomic context (GRCh38, chr1:1,341,711, plus strand): 5'-AGACACTCCCACACACCTGCTCGTGCTGCCATCCTCGTCCGAGTCCACAAAGCTGCTGGA[C>G]TCAAGCTCGCTGCTGAGGGCGGTGGACGCGCTGTCTGGGGGCAGCCCCACATCCCGCCGT-3'
Protein context (NP_001317240.1, residues 177-197): SASTALSSEL[Glu187Asp]SSSFVDSDED

ClinVar aggregate classification (germline): Conflicting classifications of pathogenicity. Review status: criteria provided, conflicting classifications (1 of 4 stars). 3 submissions from 3 submitters: Uncertain significance (2); Likely benign (1). Last evaluated 2025-06-08.

Conditions:
Inborn genetic diseases. Identifiers: MedGen C0950123, MeSH D030342.

Allele frequency attached by ClinVar (database versions not stated): gnomAD 0.00009 and 0.00010; TOPMed 0.00011; ESP Exome Variant Server 0.00015; ExAC 0.00016; gnomAD exomes 0.00017 and 0.00026.

Submissions (3):

Labcorp Genetics (formerly Invitae), Labcorp
Classification: Uncertain significance. Last evaluated: 2025-06-08. Review status: criteria provided, single submitter. Criteria: Invitae Variant Classification Sherloc (09022015). Collection method: clinical testing. Allele origin: germline.
Comment: This sequence change replaces glutamic acid, which is acidic and polar, with aspartic acid, which is acidic and polar, at codon 187 of the DVL1 protein (p.Glu187Asp). This variant is present in population databases (rs199864327, gnomAD 0.03%), and has an allele count higher than expected for a pathogenic variant. This variant has not been reported in the literature in individuals affected with DVL1-related conditions. ClinVar contains an entry for this variant (Variation ID: 1360266). Invitae Evidence Modeling of protein sequence and biophysical properties (such as structural, functional, and spatial information, amino acid conservation, physicochemical variation, residue mobility, and thermodynamic stability) indicates that this missense variant is not expected to disrupt DVL1 protein function with a negative predictive value of 80%. In summary, the available evidence is currently insufficient to determine the role of this variant in disease. Therefore, it has been classified as a Variant of Uncertain Significance.

Ambry Genetics
Classification: Uncertain significance for Inborn genetic diseases. Last evaluated: 2025-01-01. Review status: criteria provided, single submitter. Criteria: Ambry Variant Classification Scheme 2023. Collection method: clinical testing. Allele origin: germline.

Blueprint Genetics
Classification: Likely benign. Last evaluated: 2024-07-01. Review status: criteria provided, single submitter. Criteria: ACMG Guidelines, 2015. Collection method: clinical testing. Allele origin: germline.